The following is an entry in ClinVar:

NM_001018113.3(FANCB):c.1105A>G (p.Ser369Gly)

Gene: FANCB (FA complementation group B; minus strand). Cytogenetic location: Xp22.2.
Variant type: single nucleotide variant.
Coding change: c.1105A>G on transcript NM_001018113.3 (MANE Select); coding-DNA position 1105, A replaced by G.
Protein change: p.Ser369Gly; replaces serine 369 with glycine.
Molecular consequence: missense variant.
Genome position (GRCh38, 1-based): chrX:14,857,954, T>C on the plus strand (A>G on the coding strand, the complement: FANCB is on the minus strand). VCF-style: chrX-14857954-T-C. GRCh37 (hg19) VCF-style: chrX-14876076-T-C.
Other names: c.1105A>G, p.Ser369Gly (NM_001324162.2, NM_152633.4); short protein forms S369G.
Identifiers: ClinVar variation 1359427 (VCV001359427.6), dbSNP rs1422244944, ClinGen allele CA412442969.

ClinVar aggregate classification (germline): Uncertain significance (1 of 4 stars; one submission).

Conditions:
Fanconi anemia (FA). Also called: Fanconi's anemia. Identifiers: Orphanet 84, MedGen C0015625, MeSH D005199, MONDO:0019391.

Allele frequency attached by ClinVar (database versions not stated): gnomAD exomes 0.00001.
gnomAD v4.1: 5 of 1,081,377 alleles (0.00046%); highest among the groups gnomAD compares: Non-Finnish European, 0.00064%; no homozygotes.

Submission:

Labcorp Genetics (formerly Invitae), Labcorp
Classification: Uncertain significance for Fanconi anemia. Last evaluated: 2021-08-05. Review status: criteria provided, single submitter. Criteria: Invitae Variant Classification Sherloc (09022015). Collection method: clinical testing. Allele origin: germline.
Comment: This variant is not present in population databases (ExAC no frequency). This sequence change replaces serine with glycine at codon 369 of the FANCB protein (p.Ser369Gly). The serine residue is moderately conserved and there is a small physicochemical difference between serine and glycine. This variant has not been reported in the literature in individuals affected with FANCB-related conditions. Algorithms developed to predict the effect of missense changes on protein structure and function (SIFT, PolyPhen-2, Align-GVGD) all suggest that this variant is likely to be tolerated. In summary, the available evidence is currently insufficient to determine the role of this variant in disease. Therefore, it has been classified as a Variant of Uncertain Significance.